The following is an entry in ClinVar:

ClinVar aggregate classification (germline): Uncertain significance (1 of 4 stars; one submission).

Submission:

GeneDx
Classification: Uncertain significance. Last evaluated: 2025-07-16. Review status: criteria provided, single submitter. Criteria: GeneDx Variant Classification Process June 2021. Collection method: clinical testing. Allele origin: germline. Affected: yes.
Comment: Not observed at significant frequency in large population cohorts (gnomAD); In silico analysis supports that this missense variant has a deleterious effect on protein structure/function; Has not been previously published as pathogenic or benign to our knowledge; This substitution is predicted to be within the transmembrane segment S1 of the fourth homologous domain

NM_001165963.4(SCN1A):c.4677G>A (p.Met1559Ile)

Genes: SCN1A (sodium voltage-gated channel alpha subunit 1; minus strand), LOC102724058 (uncharacterized LOC102724058; plus strand). Cytogenetic location: 2q24.3.
Variant type: single nucleotide variant.
Coding change: c.4677G>A on transcript NM_001165963.4 (MANE Select); coding-DNA position 4677, G replaced by A.
Protein change: p.Met1559Ile; replaces methionine 1559 with isoleucine.
Molecular consequence: missense variant. On other transcripts: non-coding transcript variant (1).
Genome position (GRCh38, 1-based): chr2:165,994,321, C>T on the plus strand (G>A on the coding strand, the complement: SCN1A is on the minus strand). VCF-style: chr2-165994321-C-T. GRCh37 (hg19) VCF-style: chr2-166850831-C-T.
Other names: c.4593G>A, p.Met1531Ile (NM_001165964.3, NM_001353957.2, NM_001353958.2); c.4677G>A, p.Met1559Ile (NM_001202435.3, NM_001353948.2); c.4644G>A, p.Met1548Ile (NM_001353949.2, NM_001353950.2, NM_001353951.2 and 2 more transcripts); c.4641G>A, p.Met1547Ile (NM_001353954.2, NM_001353955.2); c.4590G>A, p.Met1530Ile (NM_001353960.2); c.2235G>A, p.Met745Ile (NM_001353961.2); short protein forms M1530I, M1531I, M1547I, M1548I, M1559I, M745I.
Identifiers: ClinVar variation 4686409 (VCV004686409.1).